The following is an entry in ClinVar:

NM_000237.3(LPL):c.881A>C (p.Lys294Thr)

Gene: LPL (lipoprotein lipase; plus strand). Cytogenetic location: 8p21.3.
Variant type: single nucleotide variant.
Coding change: c.881A>C on transcript NM_000237.3 (MANE Select); coding-DNA position 881, A replaced by C.
Protein change: p.Lys294Thr; replaces lysine 294 with threonine.
Molecular consequence: missense variant.
Genome position (GRCh38, 1-based): chr8:19,955,946, A>C. VCF-style: chr8-19955946-A-C. GRCh37 (hg19) VCF-style: chr8-19813457-A-C.
Other names: p.Lys294Thr; short protein forms K294T.
Identifiers: ClinVar variation 4099281 (VCV004099281.2).

ClinVar aggregate classification (germline): Uncertain significance. Review status: criteria provided, multiple submitters, no conflicts (2 of 4 stars). 2 submissions from 2 submitters: Uncertain significance (2). Last evaluated 2025-08-12.

Conditions:
Cardiovascular phenotype. Identifiers: MedGen CN230736.

gnomAD v4.1: 3 of 1,614,168 alleles (0.00019%); highest among the groups gnomAD compares: Non-Finnish European, 0.00017%; no homozygotes.

Submissions (2):

Ambry Genetics
Classification: Uncertain significance for Cardiovascular phenotype. Last evaluated: 2025-08-12. Review status: criteria provided, single submitter. Criteria: Ambry Variant Classification Scheme 2023. Collection method: clinical testing. Allele origin: germline.
Comment: The p.K294T variant (also known as c.881A>C), located in coding exon 6 of the LPL gene, results from an A to C substitution at nucleotide position 881. The lysine at codon 294 is replaced by threonine, an amino acid with similar properties. This amino acid position is conserved. In addition, the in silico prediction for this alteration is inconclusive. Based on the available evidence, the clinical significance of this variant remains unclear.

Mayo Clinic Laboratories, Mayo Clinic
Classification: Uncertain significance. Last evaluated: 2025-01-07. Review status: criteria provided, single submitter. Criteria: ACMG Guidelines, 2015. Collection method: clinical testing. Allele origin: germline. Observed: 1 variant allele.